The following is an entry in ClinVar:

ClinVar aggregate classification (germline): Uncertain significance (1 of 4 stars; one submission).

Submission:

CeGaT Center for Human Genetics Tuebingen
Classification: Uncertain significance. Last evaluated: 2023-05-01. Review status: criteria provided, single submitter. Criteria: CeGaT Center For Human Genetics Tuebingen Variant Classification Criteria Version 2. Collection method: clinical testing. Allele origin: germline. Affected: yes. Observed: 1 variant allele.
Comment: DNAH17: PM2

NM_173628.4(DNAH17):c.9132G>T (p.Arg3044Ser)

Gene: DNAH17 (dynein axonemal heavy chain 17; minus strand). Cytogenetic location: 17q25.3.
Variant type: single nucleotide variant.
Coding change: c.9132G>T on transcript NM_173628.4 (MANE Select); coding-DNA position 9132, G replaced by T.
Protein change: p.Arg3044Ser; replaces arginine 3044 with serine.
Molecular consequence: missense variant.
Genome position (GRCh38, 1-based): chr17:78,462,886, C>A on the plus strand (G>T on the coding strand, the complement: DNAH17 is on the minus strand). VCF-style: chr17-78462886-C-A. GRCh37 (hg19) VCF-style: chr17-76458968-C-A.
Other names: short protein forms R3044S.
Identifiers: ClinVar variation 2571005 (VCV002571005.27), dbSNP rs370355653, ClinGen allele CA401264051.